The following is an entry in ClinVar:

NM_001243133.2(NLRP3):c.2638C>T (p.Pro880Ser)

Gene: NLRP3 (NLR family pyrin domain containing 3; plus strand). Cytogenetic location: 1q44.
Variant type: single nucleotide variant.
Coding change: c.2638C>T on transcript NM_001243133.2 (MANE Select); coding-DNA position 2638, C replaced by T.
Protein change: p.Pro880Ser; replaces proline 880 with serine.
Molecular consequence: missense variant. On other transcripts: intron variant (2).
Genome position (GRCh38, 1-based): chr1:247,436,115, C>T. VCF-style: chr1-247436115-C-T. GRCh37 (hg19) VCF-style: chr1-247599417-C-T.
Other names: c.2638C>T, p.Pro880Ser (NM_001079821.3); c.2467C>T, p.Pro823Ser (NM_001127462.3); c.2644C>T, p.Pro882Ser (NM_004895.5); c.2492+1842C>T (NM_001127461.3); c.2321+1842C>T (NM_183395.3); short protein forms P880S, P882S, P823S.
Identifiers: ClinVar variation 933917 (VCV000933917.10), dbSNP rs1663776046, ClinGen allele CA345562435.

ClinVar aggregate classification (germline): Uncertain significance. Review status: criteria provided, multiple submitters, no conflicts (2 of 4 stars). 2 submissions from 2 submitters: Uncertain significance (2). Last evaluated 2020-11-05.

Conditions:
Cryopyrin associated periodic syndrome (CAPS). Identifiers: Orphanet 208650, MedGen C2316212, MONDO:0016168.
Familial amyloid nephropathy with urticaria AND deafness (MWS). Also called: MUCKLE-WELLS SYNDROME; Urticaria, deafness and amyloidosis; UDA SYNDROME; URTICARIA-DEAFNESS-AMYLOIDOSIS SYNDROME; CRYOPYRIN-ASSOCIATED PERIODIC SYNDROME 2. Identifiers: Orphanet 575, MedGen C0268390, MONDO:0008633, OMIM 191900.

Submissions (2):

Baylor Genetics
Classification: Uncertain significance for Familial amyloid nephropathy with urticaria AND deafness. Last evaluated: 2020-11-05. Review status: criteria provided, single submitter. Criteria: ACMG Guidelines, 2015. Collection method: clinical testing. Allele origin: unknown. Affected: yes.
Comment: This variant was determined to be of uncertain significance according to ACMG Guidelines, 2015 [PMID:25741868].

Labcorp Genetics (formerly Invitae), Labcorp
Classification: Uncertain significance for Cryopyrin associated periodic syndrome. Last evaluated: 2019-09-08. Review status: criteria provided, single submitter. Criteria: Invitae Variant Classification Sherloc (09022015). Collection method: clinical testing. Allele origin: germline.
Comment: In summary, the available evidence is currently insufficient to determine the role of this variant in disease. Therefore, it has been classified as a Variant of Uncertain Significance. Algorithms developed to predict the effect of missense changes on protein structure and function are either unavailable or do not agree on the potential impact of this missense change (SIFT: "Deleterious"; PolyPhen-2: "Benign"; Align-GVGD: "Class C0"). This variant has not been reported in the literature in individuals with NLRP3-related conditions. This variant is not present in population databases (ExAC no frequency). This sequence change replaces proline with serine at codon 882 of the NLRP3 protein (p.Pro882Ser). The proline residue is moderately conserved and there is a moderate physicochemical difference between proline and serine.